The following is an entry in ClinVar:

ClinVar aggregate classification (germline): Pathogenic (1 of 4 stars; one submission).

Conditions:
Familial cancer of breast. Also called: BREAST CANCER, FAMILIAL; hereditary breast carcinoma; Hereditary breast cancer. Identifiers: Orphanet 227535, MedGen C0346153, MONDO:0016419, OMIM 114480. Disease mechanism: loss of function.

Submission:

Labcorp Genetics (formerly Invitae), Labcorp
Classification: Pathogenic for Hereditary Breast Carcinoma. Last evaluated: 2018-09-13. Review status: criteria provided, single submitter. Criteria: Invitae Variant Classification Sherloc (09022015). Collection method: clinical testing. Allele origin: germline.
Comment: This variant is a gross deletion of the genomic region encompassing exons 1-4 of the PALB2 gene, which includes the initiator codon. The 5' end of this event is unknown as it extends beyond the assayed region for this gene and therefore may encompass additional genes. The 3' boundary is likely confined to intron 4 of the PALB2 gene. This is expected to result in an absent or disrupted protein product. This variant has not been reported in the literature in individuals with PALB2-related disease. Loss-of-function variants in PALB2 are known to be pathogenic (PMID: 17200668, 24136930, 25099575). For these reasons, this variant has been classified as Pathogenic.

NC_000016.10:g.(?_23634852)_(23641167_?)del

Gene: PALB2 (partner and localizer of BRCA2; minus strand). Cytogenetic location: 16p12.2.
Variant type: Deletion.
Identifiers: ClinVar variation 663958 (VCV000663958.2).